The following is an entry in ClinVar:

NM_182914.3(SYNE2):c.4178G>T (p.Arg1393Leu)

Gene: SYNE2 (spectrin repeat containing nuclear envelope protein 2; plus strand). Cytogenetic location: 14q23.2.
Variant type: single nucleotide variant.
Coding change: c.4178G>T on transcript NM_182914.3 (MANE Select); coding-DNA position 4178, G replaced by T.
Protein change: p.Arg1393Leu; replaces arginine 1393 with leucine.
Molecular consequence: missense variant.
Genome position (GRCh38, 1-based): chr14:64,003,111, G>T. VCF-style: chr14-64003111-G-T. GRCh37 (hg19) VCF-style: chr14-64469829-G-T.
Other names: c.4178G>T, p.Arg1393Leu (NM_015180.6); short protein forms R1393L.
Identifiers: ClinVar variation 2421899 (VCV002421899.6), dbSNP rs117647282, ClinGen allele CA7220148.
Genomic context (GRCh38, chr14:64,003,111, plus strand): 5'-AGGCCAAACATTTGGATAAATGTTTGAAGATGCTCGATATGAGCTTTAAAGATGCTGAAC[G>T]GGGTGATGACACCTCCTGTGAAAACCTGCTTGATGCTTTTTCAATAAAGTTATCTGAGAC-3'
Protein context (NP_878918.2, residues 1383-1403): MLDMSFKDAE[Arg1393Leu]GDDTSCENLL

ClinVar aggregate classification (germline): Uncertain significance (1 of 4 stars; one submission).

Conditions:
Emery-Dreifuss muscular dystrophy 5, autosomal dominant (EDMD5). Also called: EMERY-DREIFUSS MUSCULAR DYSTROPHY 5. Identifiers: Orphanet 261, MedGen C2751805, MONDO:0013072, OMIM 612999.

gnomAD v4.1: 5 of 1,614,134 alleles (0.00031%); highest among the groups gnomAD compares: Admixed American, 0.0033%; no homozygotes.

Submission:

Labcorp Genetics (formerly Invitae), Labcorp
Classification: Uncertain significance for Emery-Dreifuss muscular dystrophy 5, autosomal dominant. Last evaluated: 2023-12-01. Review status: criteria provided, single submitter. Criteria: Invitae Variant Classification Sherloc (09022015). Collection method: clinical testing. Allele origin: germline.
Comment: This sequence change replaces arginine, which is basic and polar, with leucine, which is neutral and non-polar, at codon 1393 of the SYNE2 protein (p.Arg1393Leu). This variant is present in population databases (rs117647282, gnomAD 0.01%). This variant has not been reported in the literature in individuals affected with SYNE2-related conditions. ClinVar contains an entry for this variant (Variation ID: 2421899). Algorithms developed to predict the effect of missense changes on protein structure and function output the following: SIFT: "Not Available"; PolyPhen-2: "Benign"; Align-GVGD: "Not Available". The leucine amino acid residue is found in multiple mammalian species, which suggests that this missense change does not adversely affect protein function. In summary, the available evidence is currently insufficient to determine the role of this variant in disease. Therefore, it has been classified as a Variant of Uncertain Significance.